The following is an entry in ClinVar:

NM_000218.3(KCNQ1):c.1892C>T (p.Pro631Leu)

Genes: KCNQ1 (potassium voltage-gated channel subfamily Q member 1; plus strand), KCNQ1-AS1 (KCNQ1 antisense RNA 1; minus strand). Cytogenetic location: 11p15.4.
Variant type: single nucleotide variant.
Coding change: c.1892C>T on transcript NM_000218.3 (MANE Select); coding-DNA position 1892, C replaced by T.
Protein change: p.Pro631Leu; replaces proline 631 with leucine.
Molecular consequence: missense variant.
Genome position (GRCh38, 1-based): chr11:2,847,864, C>T. VCF-style: chr11-2847864-C-T. GRCh37 (hg19) VCF-style: chr11-2869094-C-T.
Other names: c.1796C>T, p.Pro599Leu (NM_001406836.1); c.1622C>T, p.Pro541Leu (NM_001406837.1); c.1352C>T, p.Pro451Leu (NM_001406838.1); c.404C>T, p.Pro135Leu (NM_001406839.1); c.1511C>T, p.Pro504Leu (NM_181798.2); short protein forms P135L, P451L, P504L, P541L, P599L, P631L.
Identifiers: ClinVar variation 3075340 (VCV003075340.3), dbSNP rs1432436411, ClinGen allele CA379140371.

ClinVar aggregate classification (germline): Uncertain significance. Review status: criteria provided, multiple submitters, no conflicts (2 of 4 stars). 3 submissions from 3 submitters: Uncertain significance (3). Last evaluated 2025-09-03.

Conditions:
Long QT syndrome (LQTS). Identifiers: MedGen C0023976, MeSH D008133, MONDO:0002442. Disease mechanism: loss of function. Inheritance: Various modes of inheritance.
Cardiac arrhythmia. Also called: Cardiac rhythm disease; Arrhythmia. Identifiers: MedGen C0003811, MONDO:0007263, HP:0011675.

Allele frequency attached by ClinVar (database versions not stated): gnomAD 0.00001.
gnomAD v4.1: 4 of 1,577,268 alleles (0.00025%); highest among the groups gnomAD compares: Admixed American, 0.0054%; no homozygotes.

Submissions (3):

Color Diagnostics, LLC DBA Color Health
Classification: Uncertain significance for Cardiac arrhythmia. Last evaluated: 2025-09-03. Review status: criteria provided, single submitter. Criteria: ACMG Guidelines, 2015. Collection method: clinical testing. Allele origin: germline.
Comment: This missense variant replaces proline with leucine at codon 631 of the KCNQ1 protein. Computational prediction is inconclusive regarding the impact of this variant on protein structure and function. To our knowledge, functional studies have not been reported for this variant. This variant has been reported in an individual affected with epilepsy (PMID: 31696929). This variant has not been identified in the general population by the Genome Aggregation Database (gnomAD). The available evidence is insufficient to determine the role of this variant in disease conclusively. Therefore, this variant is classified as a Variant of Uncertain Significance.

Labcorp Genetics (formerly Invitae), Labcorp
Classification: Uncertain significance for Long QT syndrome. Last evaluated: 2025-06-27. Review status: criteria provided, single submitter. Criteria: Invitae Variant Classification Sherloc (09022015). Collection method: clinical testing. Allele origin: germline.
Comment: This sequence change replaces proline, which is neutral and non-polar, with leucine, which is neutral and non-polar, at codon 631 of the KCNQ1 protein (p.Pro631Leu). This variant is not present in population databases (gnomAD no frequency). This variant has not been reported in the literature in individuals affected with KCNQ1-related conditions. ClinVar contains an entry for this variant (Variation ID: 3075340). Invitae Evidence Modeling of protein sequence and biophysical properties (such as structural, functional, and spatial information, amino acid conservation, physicochemical variation, residue mobility, and thermodynamic stability) indicates that this missense variant is not expected to disrupt KCNQ1 protein function with a negative predictive value of 95%. In summary, the available evidence is currently insufficient to determine the role of this variant in disease. Therefore, it has been classified as a Variant of Uncertain Significance.

All of Us Research Program, National Institutes of Health
Classification: Uncertain significance for Long QT syndrome. Last evaluated: 2024-08-06. Review status: criteria provided, single submitter. Criteria: ACMG Guidelines, 2015. Collection method: clinical testing. Allele origin: germline. Inheritance: Autosomal dominant inheritance. Observed: 2 variant alleles, 2 heterozygotes.
Comment: This study involves interpretation of variants in research participants for the purpose of population health screening. Participant phenotype was not available at the time of variant classification. Additional details can be found in publication PMID: 35346344, PMCID: PMC8962531

Literature cited by the submitters: PubMed 31696929 (cited by Color Diagnostics, LLC DBA Color Health).